The following is an entry in ClinVar:

NM_002880.4(RAF1):c.1564_1566delinsGAT (p.Asn522Asp)

Gene: RAF1 (Raf-1 proto-oncogene, serine/threonine kinase; minus strand). Cytogenetic location: 3p25.2.
Variant type: Indel.
Coding change: c.1564_1566delinsGAT on transcript NM_002880.4 (MANE Select); coding-DNA positions 1564 to 1566, AAC replaced by GAT.
Protein change: p.Asn522Asp; replaces asparagine 522 with aspartic acid.
Molecular consequence: missense variant. On other transcripts: non-coding transcript variant (3).
Genome position (GRCh38, 1-based): chr3:12,585,224-12,585,226, GTT replaced by ATC on the plus strand (AAC replaced by GAT on the coding strand, the reverse complement: RAF1 is on the minus strand). VCF-style: chr3-12585224-GTT-ATC. GRCh37 (hg19) VCF-style: chr3-12626723-GTT-ATC.
Other names: c.1624_1626delinsGAT, p.Asn542Asp (NM_001354689.3); c.1564_1566delinsGAT, p.Asn522Asp (NM_001354690.3); c.1321_1323delinsGAT, p.Asn441Asp (NM_001354691.3, NM_001354692.3); c.1465_1467delinsGAT, p.Asn489Asp (NM_001354693.3); c.1381_1383delinsGAT, p.Asn461Asp (NM_001354694.3); c.1222_1224delinsGAT, p.Asn408Asp (NM_001354695.3); short protein forms N441D, N461D, N522D, N489D, N542D, N408D.
Identifiers: ClinVar variation 1775326 (VCV001775326.2), dbSNP rs2470182461, ClinGen allele CA2580068505.

ClinVar aggregate classification (germline): Uncertain significance (1 of 4 stars; one submission).

Conditions:
Cardiovascular phenotype. Identifiers: MedGen CN230736.

Submission:

Ambry Genetics
Classification: Uncertain significance for Cardiovascular phenotype. Last evaluated: 2020-02-13. Review status: criteria provided, single submitter. Criteria: Ambry Variant Classification Scheme 2023. Collection method: clinical testing. Allele origin: germline.
Comment: The c.1564_1566delAACinsGAT variant (also known as p.N522D), located in coding exon 14 of the RAF1 gene, results from an in-frame deletion of AAC and insertion of GAT at nucleotide positions 1564 to 1566. This results in the substitution of the asparagine residue for an aspartic acid residue at codon 522, an amino acid with highly similar properties. This amino acid position is not well conserved in available vertebrate species, and aspartic acid is the reference amino acid in other vertebrate species. In addition, this alteration is predicted to be neutral by in silico analysis (Choi Y et al. PLoS ONE. 2012; 7(10):e46688). Since supporting evidence is limited at this time, the clinical significance of this alteration remains unclear.